The following is an entry in ClinVar:

ClinVar aggregate classification (germline): Uncertain significance (1 of 4 stars; one submission).

Conditions:
STING-associated vasculopathy with onset in infancy. Also called: Sting-associated vasculopathy, infantile-onset. Identifiers: Orphanet 425120, MedGen C4014722, MONDO:0014405, OMIM 615934.

Submission:

Labcorp Genetics (formerly Invitae), Labcorp
Classification: Uncertain significance for STING-associated vasculopathy with onset in infancy. Last evaluated: 2024-04-10. Review status: criteria provided, single submitter. Criteria: Invitae Variant Classification Sherloc (09022015). Collection method: clinical testing. Allele origin: germline.
Comment: This sequence change replaces alanine, which is neutral and non-polar, with proline, which is neutral and non-polar, at codon 318 of the TMEM173 protein (p.Ala318Pro). This variant is not present in population databases (gnomAD no frequency). This variant has not been reported in the literature in individuals affected with TMEM173-related conditions. ClinVar contains an entry for this variant (Variation ID: 2065314). Advanced modeling of protein sequence and biophysical properties (such as structural, functional, and spatial information, amino acid conservation, physicochemical variation, residue mobility, and thermodynamic stability) performed at Invitae indicates that this missense variant is not expected to disrupt TMEM173 protein function with a negative predictive value of 80%. In summary, the available evidence is currently insufficient to determine the role of this variant in disease. Therefore, it has been classified as a Variant of Uncertain Significance.

NM_198282.4(STING1):c.952G>C (p.Ala318Pro)

Gene: STING1 (stimulator of interferon response cGAMP interactor 1; minus strand). Cytogenetic location: 5q31.2.
Variant type: single nucleotide variant.
Coding change: c.952G>C on transcript NM_198282.4 (MANE Select); coding-DNA position 952, G replaced by C.
Protein change: p.Ala318Pro; replaces alanine 318 with proline.
Molecular consequence: missense variant. On other transcripts: synonymous variant (1).
Genome position (GRCh38, 1-based): chr5:139,476,449, C>G on the plus strand (G>C on the coding strand, the complement: STING1 is on the minus strand). VCF-style: chr5-139476449-C-G. GRCh37 (hg19) VCF-style: chr5-138856034-C-G.
Other names: c.765G>C, p.Leu255= (NM_001301738.2); c.595G>C, p.Ala199Pro (NM_001367258.1); short protein forms A199P, A318P.
Identifiers: ClinVar variation 2065314 (VCV002065314.4), dbSNP rs1561482019, ClinGen allele CA361479366.